The following is an entry in ClinVar:

NM_001384900.1(SEMA3D):c.1431C>T (p.Leu477=)

Gene: SEMA3D (semaphorin 3D; minus strand). Cytogenetic location: 7q21.11.
Variant type: single nucleotide variant.
Coding change: c.1431C>T on transcript NM_001384900.1 (MANE Select); coding-DNA position 1431, C replaced by T.
Protein change: p.Leu477=; no amino-acid change (leucine 477 retained).
Molecular consequence: synonymous variant.
Genome position (GRCh38, 1-based): chr7:85,020,305, G>A on the plus strand (C>T on the coding strand, the complement: SEMA3D is on the minus strand). VCF-style: chr7-85020305-G-A. GRCh37 (hg19) VCF-style: chr7-84649621-G-A.
Other names: c.1431C>T, p.Leu477= (NM_001384901.1, NM_001384902.1, NM_001384903.1 and 1 more transcripts).
Identifiers: ClinVar variation 3344603 (VCV003344603.1).

ClinVar aggregate classification (germline): Likely benign (0 of 4 stars; one submission).

Conditions:
SEMA3D-related disorder. Also called: SEMA3D-related condition.

gnomAD v4.1: 1 of 1,609,396 alleles (0.000062%); highest among the groups gnomAD compares: Non-Finnish European, 0.000085%; no homozygotes.

Submission:

PreventionGenetics, part of Exact Sciences
Classification: Likely benign for SEMA3D-related condition. Last evaluated: 2024-08-14. Review status: no assertion criteria provided. Collection method: clinical testing. Allele origin: germline.
Comment: This variant is classified as likely benign based on ACMG/AMP sequence variant interpretation guidelines (Richards et al. 2015 PMID: 25741868, with internal and published modifications).